The following is an entry in ClinVar:

ClinVar aggregate classification (germline): Conflicting classifications of pathogenicity. Review status: criteria provided, conflicting classifications (1 of 4 stars). 4 submissions from 4 submitters: Uncertain significance (3); Likely benign (1). Last evaluated 2025-05-25.

Conditions:
Acute myeloid leukemia (AML). Also called: Leukemia, acute myeloid, somatic; Leukemia, acute myelogenous, somatic; Acute myeloid leukemia, adult; AML adult; Acute non-lymphocytic leukemia; Acute granulocytic leukemia. Identifiers: Orphanet 519, MedGen C0023467, MeSH D015470, MONDO:0018874, OMIM 601626, HP:0004808. Disease mechanism: Constitutively activated FLT3.
Inborn genetic diseases. Identifiers: MedGen C0950123, MeSH D030342.

Allele frequency attached by ClinVar (database versions not stated): gnomAD exomes 0.00002; gnomAD 0.00003; ExAC 0.00004; TOPMed 0.00004.

Submissions (4):

Labcorp Genetics (formerly Invitae), Labcorp
Classification: Uncertain significance for Acute myeloid leukemia. Last evaluated: 2025-05-25. Review status: criteria provided, single submitter. Criteria: Invitae Variant Classification Sherloc (09022015). Collection method: clinical testing. Allele origin: germline.
Comment: This sequence change replaces lysine, which is basic and polar, with arginine, which is basic and polar, at codon 352 of the CEBPA protein (p.Lys352Arg). This variant is present in population databases (rs775099224, gnomAD 0.009%). This variant has not been reported in the literature in individuals affected with CEBPA-related conditions. ClinVar contains an entry for this variant (Variation ID: 408749). An algorithm developed to predict the effect of missense changes on protein structure and function (PolyPhen-2) suggests that this variant is likely to be disruptive. In summary, the available evidence is currently insufficient to determine the role of this variant in disease. Therefore, it has been classified as a Variant of Uncertain Significance.

GeneDx
Classification: Uncertain significance. Last evaluated: 2024-11-12. Review status: criteria provided, single submitter. Criteria: GeneDx Variant Classification Process June 2021. Collection method: clinical testing. Allele origin: germline. Affected: yes.
Comment: In silico analysis indicates that this missense variant does not alter protein structure/function; Has not been previously published as pathogenic or benign to our knowledge; This variant is associated with the following publications: (PMID: 21455213)

Ambry Genetics
Classification: Likely benign for Inborn genetic diseases. Last evaluated: 2024-08-21. Review status: criteria provided, single submitter. Criteria: Ambry Variant Classification Scheme 2023. Collection method: clinical testing. Allele origin: germline.

Baylor Genetics
Classification: Uncertain significance for Acute myeloid leukemia. Last evaluated: 2024-03-07. Review status: criteria provided, single submitter. Criteria: ACMG Guidelines, 2015. Collection method: clinical testing. Allele origin: unknown.

NM_004364.5(CEBPA):c.1055A>G (p.Lys352Arg)

Gene: CEBPA (CCAAT enhancer binding protein alpha; minus strand). Cytogenetic location: 19q13.11.
Variant type: single nucleotide variant.
Coding change: c.1055A>G on transcript NM_004364.5 (MANE Select); coding-DNA position 1055, A replaced by G.
Protein change: p.Lys352Arg; replaces lysine 352 with arginine.
Molecular consequence: missense variant.
Genome position (GRCh38, 1-based): chr19:33,301,360, T>C on the plus strand (A>G on the coding strand, the complement: CEBPA is on the minus strand). VCF-style: chr19-33301360-T-C. GRCh37 (hg19) VCF-style: chr19-33792266-T-C.
Other names: c.1055A>G (NM_004364.3); c.698A>G, p.Lys233Arg (NM_001285829.2); c.1160A>G, p.Lys387Arg (NM_001287424.2); c.1013A>G, p.Lys338Arg (NM_001287435.2); short protein forms K352R, K233R, K387R, K338R.
Identifiers: ClinVar variation 408749 (VCV000408749.17), dbSNP rs775099224, ClinGen allele CA9363655.
Genomic context (GRCh38, chr19:33,301,360, plus strand): 5'-CCGGAGGCTGGCCCAGGGCGGTCCCACAGCCGCGCGCCTCACGCGCAGTTGCCCATGGCC[T>C]TGACCAAGGAGCTCTCTGGCAGCTGGCGGAAGATGCCCCGCAGCGTGTCCAGTTCGCGGC-3'
Protein context (NP_004355.2, residues 342-358): FRQLPESSLV[Lys352Arg]AMGNCA